The following is an entry in ClinVar:

NM_002291.3(LAMB1):c.5093A>G (p.Tyr1698Cys)

Gene: LAMB1 (laminin subunit beta 1; minus strand). Cytogenetic location: 7q31.1.
Variant type: single nucleotide variant.
Coding change: c.5093A>G on transcript NM_002291.3 (MANE Select); coding-DNA position 5093, A replaced by G.
Protein change: p.Tyr1698Cys; replaces tyrosine 1698 with cysteine.
Molecular consequence: missense variant.
Genome position (GRCh38, 1-based): chr7:107,924,361, T>C on the plus strand (A>G on the coding strand, the complement: LAMB1 is on the minus strand). VCF-style: chr7-107924361-T-C. GRCh37 (hg19) VCF-style: chr7-107564806-T-C.
Other names: short protein forms Y1698C.
Identifiers: ClinVar variation 1499422 (VCV001499422.6), dbSNP rs1421895180, ClinGen allele CA368860679.

ClinVar aggregate classification (germline): Uncertain significance (1 of 4 stars; one submission).

Submission:

Labcorp Genetics (formerly Invitae), Labcorp
Classification: Uncertain significance. Last evaluated: 2021-10-25. Review status: criteria provided, single submitter. Criteria: Invitae Variant Classification Sherloc (09022015). Collection method: clinical testing. Allele origin: germline.
Comment: In summary, the available evidence is currently insufficient to determine the role of this variant in disease. Therefore, it has been classified as a Variant of Uncertain Significance. Algorithms developed to predict the effect of missense changes on protein structure and function (SIFT, PolyPhen-2, Align-GVGD) all suggest that this variant is likely to be disruptive. This variant has not been reported in the literature in individuals affected with LAMB1-related conditions. This variant is not present in population databases (ExAC no frequency). This sequence change replaces tyrosine with cysteine at codon 1698 of the LAMB1 protein (p.Tyr1698Cys). The tyrosine residue is highly conserved and there is a large physicochemical difference between tyrosine and cysteine.